The following is an entry in ClinVar:

NM_015450.3(POT1):c.1686+4A>G

Gene: POT1 (protection of telomeres 1; minus strand). Cytogenetic location: 7q31.33.
Variant type: single nucleotide variant.
Coding change: c.1686+4A>G on transcript NM_015450.3 (MANE Select); 4 bases into the intron after coding-DNA position 1686, A replaced by G.
Molecular consequence: intron variant.
Genome position (GRCh38, 1-based): chr7:124,827,210, T>C on the plus strand (A>G on the coding strand, the complement: POT1 is on the minus strand). VCF-style: chr7-124827210-T-C. GRCh37 (hg19) VCF-style: chr7-124467264-T-C.
Other names: c.1293+4A>G (NM_001042594.2).
Identifiers: ClinVar variation 475056 (VCV000475056.13), dbSNP rs907669138, ClinGen allele CA166094465.
Genomic context (GRCh38, chr7:124,827,210, plus strand): 5'-ATGTATTCAATTTTTTAAATATTATTTTTTAATTAAAAATATCTTTATTACCTCTGATAC[T>C]TACAGAATCCATGAGATAGGCTTCTAGTACTCCTGTTCCATCATCAAGTGTAAAGGTCAT-3'

ClinVar aggregate classification (germline): Conflicting classifications of pathogenicity. Review status: criteria provided, conflicting classifications (1 of 4 stars). 3 submissions from 3 submitters: Pathogenic (1); Uncertain significance (2). Last evaluated 2025-11-19.

Conditions:
Tumor predisposition syndrome 3 (TPDS3). Also called: Glioma susceptibility 9; LONG TELOMERE SYNDROME, POT1-RELATED; POT1 Tumor Predisposition; Melanoma, cutaneous malignant, susceptibility to, 10. Identifiers: Orphanet 618, MedGen C4014476, MONDO:0014368, OMIM 615848.
Hereditary cancer-predisposing syndrome. Also called: Hereditary neoplastic syndrome; Hereditary Cancer Syndrome; Neoplastic Syndromes, Hereditary; Tumor predisposition. Identifiers: Orphanet 140162, MedGen C0027672, MeSH D009386, MONDO:0015356.

Allele frequency attached by ClinVar (database versions not stated): gnomAD exomes below 0.00001.
gnomAD v4.1: 1 of 1,463,422 alleles (0.000068%); highest among the groups gnomAD compares: Non-Finnish European, 0.000093%; no homozygotes.

Submissions (3):

Labcorp Genetics (formerly Invitae), Labcorp
Classification: Pathogenic for Tumor predisposition syndrome 3. Last evaluated: 2025-11-19. Review status: criteria provided, single submitter. Criteria: Invitae Variant Classification Sherloc (09022015). Collection method: clinical testing. Allele origin: germline.
Comment: This sequence change falls in intron 17 of the POT1 gene. It does not directly change the encoded amino acid sequence of the POT1 protein. RNA analysis indicates that this variant induces altered splicing and may result in an absent or altered protein product. This variant is not present in population databases (gnomAD no frequency). This variant has not been reported in the literature in individuals affected with POT1-related conditions. ClinVar contains an entry for this variant (Variation ID: 475056). Variants that disrupt the consensus splice site are a relatively common cause of aberrant splicing (PMID: 17576681, 9536098). Studies have shown that this variant results in activation of a cryptic splice site, and produces a non-functional protein and/or introduces a premature termination codon (internal data). For these reasons, this variant has been classified as Pathogenic.

Ambry Genetics
Classification: Uncertain significance for Hereditary cancer-predisposing syndrome. Last evaluated: 2025-11-03. Review status: criteria provided, single submitter. Criteria: Ambry Variant Classification Scheme 2023. Collection method: clinical testing. Allele origin: germline.
Comment: The c.1686+4A>G intronic variant results from an A to G substitution 4 nucleotides after coding exon 13 in the POT1 gene. This nucleotide position is highly conserved in available vertebrate species. In silico splice site analysis predicts that this alteration may weaken the native splice donor site; however, direct evidence is insufficient at this time (Ambry internal data). Based on the available evidence, the clinical significance of this variant remains unclear.

GeneDx
Classification: Uncertain significance. Last evaluated: 2022-09-15. Review status: criteria provided, single submitter. Criteria: GeneDx Variant Classification Process June 2021. Collection method: clinical testing. Allele origin: germline. Affected: yes.
Comment: Not observed at significant frequency in large population cohorts (gnomAD); Has not been previously published as pathogenic or benign to our knowledge; In silico analysis is inconclusive as to whether the variant alters gene splicing. In the absence of RNA/functional studies, the actual effect of this sequence change is unknown.

Literature cited by the submitters: PubMed 17576681 (cited by Labcorp Genetics (formerly Invitae), Labcorp); PubMed 9536098 (cited by Labcorp Genetics (formerly Invitae), Labcorp).